The following is an entry in ClinVar:

NM_018127.7(ELAC2):c.2332A>C (p.Met778Leu)

Gene: ELAC2 (elaC ribonuclease Z 2; minus strand). Cytogenetic location: 17p12.
Variant type: single nucleotide variant.
Coding change: c.2332A>C on transcript NM_018127.7 (MANE Select); coding-DNA position 2332, A replaced by C.
Protein change: p.Met778Leu; replaces methionine 778 with leucine.
Molecular consequence: missense variant.
Genome position (GRCh38, 1-based): chr17:12,992,967, T>G on the plus strand (A>C on the coding strand, the complement: ELAC2 is on the minus strand). VCF-style: chr17-12992967-T-G. GRCh37 (hg19) VCF-style: chr17-12896284-T-G.
Other names: c.2212A>C, p.Met738Leu (NM_001165962.2); c.2329A>C, p.Met777Leu (NM_173717.2); short protein forms M738L, M778L, M777L.
Identifiers: ClinVar variation 2139608 (VCV002139608.2), dbSNP rs1041310323, ClinGen allele CA288075077.

ClinVar aggregate classification (germline): Uncertain significance (1 of 4 stars; one submission).

Conditions:
Combined oxidative phosphorylation defect type 17. Also called: Combined oxidative phosphorylation deficiency 17. Identifiers: Orphanet 369913, MedGen C3809526, MONDO:0014190, OMIM 615440.

Allele frequency attached by ClinVar (database versions not stated): gnomAD exomes below 0.00001; TOPMed below 0.00001; gnomAD 0.00001.
gnomAD v4.1: 2 of 1,602,428 alleles (0.00012%); highest among the groups gnomAD compares: Non-Finnish European, 0.00017%; no homozygotes.

Submission:

Labcorp Genetics (formerly Invitae), Labcorp
Classification: Uncertain significance for Combined oxidative phosphorylation defect type 17. Last evaluated: 2022-03-11. Review status: criteria provided, single submitter. Criteria: Invitae Variant Classification Sherloc (09022015). Collection method: clinical testing. Allele origin: germline.
Comment: In summary, the available evidence is currently insufficient to determine the role of this variant in disease. Therefore, it has been classified as a Variant of Uncertain Significance. Algorithms developed to predict the effect of missense changes on protein structure and function are either unavailable or do not agree on the potential impact of this missense change (SIFT: "Tolerated"; PolyPhen-2: "Probably Damaging"; Align-GVGD: "Class C0"). This variant has not been reported in the literature in individuals affected with ELAC2-related conditions. This variant is not present in population databases (gnomAD no frequency). This sequence change replaces methionine, which is neutral and non-polar, with leucine, which is neutral and non-polar, at codon 778 of the ELAC2 protein (p.Met778Leu).